The following is an entry in ClinVar:

ClinVar aggregate classification (germline): Pathogenic/Likely pathogenic. Review status: criteria provided, multiple submitters, no conflicts (2 of 4 stars). 2 submissions from 2 submitters: Pathogenic (1); Likely pathogenic (1). Last evaluated 2023-12-08.

Conditions:
Myopathy, lactic acidosis, and sideroblastic anemia 2 (MLASA2). Identifiers: Orphanet 2598, MedGen C3150802, MONDO:0013307, OMIM 613561.

Submissions (2):

Labcorp Genetics (formerly Invitae), Labcorp
Classification: Pathogenic. Last evaluated: 2023-12-08. Review status: criteria provided, single submitter. Criteria: Invitae Variant Classification Sherloc (09022015). Collection method: clinical testing. Allele origin: germline.
Comment: This sequence change creates a premature translational stop signal (p.Glu128Asnfs*19) in the YARS2 gene. It is expected to result in an absent or disrupted protein product. Loss-of-function variants in YARS2 are known to be pathogenic (PMID: 20598274, 24344687, 25638461). This variant is present in population databases (no rsID available, gnomAD 0.02%). This variant has not been reported in the literature in individuals affected with YARS2-related conditions. For these reasons, this variant has been classified as Pathogenic.

Juno Genomics, Hangzhou Juno Genomics, Inc
Classification: Likely pathogenic for Myopathy, lactic acidosis, and sideroblastic anemia 2. Review status: criteria provided, single submitter. Criteria: ACMG Guidelines, 2015. Collection method: clinical testing. Allele origin: germline.
Comment: Null variant in a gene where loss of function (LOF) is a known mechanism of disease.;Absent from controls (or at extremely low frequency if recessive) in Genome Aggregation Database.

Literature cited by the submitters: PubMed 20598274 (cited by Labcorp Genetics (formerly Invitae), Labcorp); PubMed 24344687 (cited by Labcorp Genetics (formerly Invitae), Labcorp); PubMed 25638461 (cited by Labcorp Genetics (formerly Invitae), Labcorp).

NM_001040436.3(YARS2):c.382del (p.Glu128fs)

Gene: YARS2 (tyrosyl-tRNA synthetase 2; minus strand). Cytogenetic location: 12p11.21.
Variant type: Deletion.
Coding change: c.382del on transcript NM_001040436.3 (MANE Select); coding-DNA position 382, one base deleted (G; older notation c.382delG).
Protein change: p.Glu128fs; shifts the reading frame from glutamic acid 128.
Molecular consequence: frameshift variant.
Genome position (GRCh38, 1-based): chr12:32,755,493, C deleted on the plus strand (G on the coding strand, the reverse complement: YARS2 is on the minus strand); the first of 2 consecutive C bases (chr12:32,755,493-32,755,494); deleting either gives the same sequence. VCF-style (leftmost placement, unchanged base first): chr12-32755492-TC-T. GRCh37 (hg19) VCF-style: chr12-32908426-TC-T.
Other names: short protein forms E128fs.
Identifiers: ClinVar variation 2961890 (VCV002961890.5), dbSNP rs1159651127, ClinGen allele CA604480470.